The following is an entry in ClinVar:

ClinVar aggregate classification (germline): Uncertain significance (1 of 4 stars; one submission).

Conditions:
Severe combined immunodeficiency due to IKK2 deficiency. Also called: Immunodeficiency 15; IMMUNODEFICIENCY 15B. Identifiers: Orphanet 397787, MedGen C4747743, MONDO:0014267, OMIM 615592.

Submission:

Labcorp Genetics (formerly Invitae), Labcorp
Classification: Uncertain significance for Severe combined immunodeficiency due to IKK2 deficiency. Last evaluated: 2023-03-10. Review status: criteria provided, single submitter. Criteria: Invitae Variant Classification Sherloc (09022015). Collection method: clinical testing. Allele origin: germline.
Comment: In summary, the available evidence is currently insufficient to determine the role of this variant in disease. Therefore, it has been classified as a Variant of Uncertain Significance. Advanced modeling of protein sequence and biophysical properties (such as structural, functional, and spatial information, amino acid conservation, physicochemical variation, residue mobility, and thermodynamic stability) performed at Invitae indicates that this missense variant is not expected to disrupt IKBKB protein function. This variant has not been reported in the literature in individuals affected with IKBKB-related conditions. This variant is not present in population databases (gnomAD no frequency). This sequence change replaces methionine, which is neutral and non-polar, with isoleucine, which is neutral and non-polar, at codon 468 of the IKBKB protein (p.Met468Ile).

NM_001556.3(IKBKB):c.1404G>T (p.Met468Ile)

Gene: IKBKB (inhibitor of nuclear factor kappa B kinase subunit beta; plus strand). Cytogenetic location: 8p11.21.
Variant type: single nucleotide variant.
Coding change: c.1404G>T on transcript NM_001556.3 (MANE Select); coding-DNA position 1404, G replaced by T.
Protein change: p.Met468Ile; replaces methionine 468 with isoleucine.
Molecular consequence: missense variant. On other transcripts: non-coding transcript variant (3).
Genome position (GRCh38, 1-based): chr8:42,319,309, G>T. VCF-style: chr8-42319309-G-T. GRCh37 (hg19) VCF-style: chr8-42176827-G-T.
Other names: c.1212G>T, p.Met404Ile (NM_001190720.3); c.1227G>T, p.Met409Ile (NM_001242778.2); short protein forms M409I, M404I, M468I.
Identifiers: ClinVar variation 2844804 (VCV002844804.3), dbSNP rs2487692323, ClinGen allele CA371090284.